The following is an entry in ClinVar:

NM_000138.5(FBN1):c.75G>A (p.Ala25=)

Genes: FBN1 (fibrillin 1; minus strand), LOC130057019 (ATAC-STARR-seq lymphoblastoid silent region 6417; plus strand). Cytogenetic location: 15q21.1.
Variant type: single nucleotide variant.
Coding change: c.75G>A on transcript NM_000138.5 (MANE Select); coding-DNA position 75, G replaced by A.
Protein change: p.Ala25=; no amino-acid change (alanine 25 retained).
Molecular consequence: synonymous variant.
Genome position (GRCh38, 1-based): chr15:48,644,695, C>T on the plus strand (G>A on the coding strand, the complement: FBN1 is on the minus strand). VCF-style: chr15-48644695-C-T. GRCh37 (hg19) VCF-style: chr15-48936892-C-T.
Identifiers: ClinVar variation 281713 (VCV000281713.33), dbSNP rs543230518, ClinGen allele CA058945.
Genomic context (GRCh38, chr15:48,644,695, plus strand): 5'-TCTTCTCTTGGCCCGACTGGCTCTGGTTTCCTTCACGTTCCCAGCCTCCAAATTGGCGTC[C>T]GCCCCATGGCTCGTGTAGGACGCTAAAAGCACGGTAAATCCCAGGGCGATCTCCAGCAGA-3'
Protein context (NP_000129.3, residues 15-35): VLLASYTSHG[Ala25=]DANLEAGNVK

ClinVar aggregate classification (germline): Benign/Likely benign. Review status: criteria provided, multiple submitters, no conflicts (2 of 4 stars). 11 submissions from 11 submitters: Benign (7); Likely benign (4). Last evaluated 2026-09-01.

Conditions:
Familial thoracic aortic aneurysm and aortic dissection (TAAD). Also called: Thoracic aortic aneurysms and dissections. Identifiers: Orphanet 91387, MedGen C4707243, MONDO:0019625.
Marfan syndrome (MFS). Also called: FBN1-Related Marfan Syndrome; Marfan syndrome type 1; MARFAN SYNDROME, TYPE I; Marfan's syndrome; Marfan syndrome, classic. Identifiers: Orphanet 284963, Orphanet 558, MedGen C0024796, MONDO:0007947, OMIM 154700.

Allele frequency attached by ClinVar (database versions not stated): gnomAD 0.00001 and 0.00015; TOPMed 0.00002; gnomAD exomes 0.00028 and 0.00056; ExAC 0.00063; 1000 Genomes Project 30x 0.00094; 1000 Genomes Project 0.00100.

Submissions (11):

CeGaT Center for Human Genetics Tuebingen
Classification: Likely benign. Last evaluated: 2026-09-01. Review status: criteria provided, single submitter. Criteria: CeGaT Center For Human Genetics Tuebingen Variant Classification Criteria Version 2. Collection method: clinical testing. Allele origin: germline. Affected: yes. Observed: 1 variant allele.
Comment: FBN1: BP4, BP7, BS1

Labcorp Genetics (formerly Invitae), Labcorp
Classification: Benign for Marfan syndrome; Familial thoracic aortic aneurysm and aortic dissection. Last evaluated: 2025-12-22. Review status: criteria provided, single submitter. Criteria: Invitae Variant Classification Sherloc (09022015). Collection method: clinical testing. Allele origin: germline.

ARUP Laboratories, Molecular Genetics and Genomics, ARUP Laboratories
Classification: Benign. Last evaluated: 2025-03-04. Review status: criteria provided, single submitter. Criteria: ARUP Molecular Germline Variant Investigation Process 2024. Collection method: clinical testing. Allele origin: germline.

All of Us Research Program, National Institutes of Health
Classification: Benign for Marfan syndrome. Last evaluated: 2024-01-11. Review status: criteria provided, single submitter. Criteria: ACMG Guidelines, 2015. Collection method: clinical testing. Allele origin: germline. Inheritance: Autosomal dominant inheritance. Observed: 8 variant alleles, 8 heterozygotes.
Comment: This study involves interpretation of variants in research participants for the purpose of population health screening. Participant phenotype was not available at the time of variant classification. Additional details can be found in publication PMID: 35346344, PMCID: PMC8962531

Blueprint Genetics
Classification: Likely benign. Last evaluated: 2023-11-22. Review status: criteria provided, single submitter. Criteria: ACMG Guidelines, 2015. Collection method: clinical testing. Allele origin: germline.

CHEO Genetics Diagnostic Laboratory, Children's Hospital of Eastern Ontario
Classification: Benign for Familial thoracic aortic aneurysm and aortic dissection. Last evaluated: 2022-12-07. Review status: criteria provided, single submitter. Criteria: ACMG Guidelines, 2015. Collection method: clinical testing. Allele origin: germline.

GeneDx
Classification: Likely benign. Last evaluated: 2019-12-02. Review status: criteria provided, single submitter. Criteria: GeneDx Variant Classification Process June 2021. Collection method: clinical testing. Allele origin: germline. Affected: yes.

Ambry Genetics
Classification: Likely benign for Familial thoracic aortic aneurysm and aortic dissection. Last evaluated: 2019-10-08. Review status: criteria provided, single submitter. Criteria: Ambry Variant Classification Scheme 2023. Collection method: clinical testing. Allele origin: germline.

Women's Health and Genetics/Laboratory Corporation of America, LabCorp
Classification: Benign. Last evaluated: 2019-06-10. Review status: criteria provided, single submitter. Criteria: LabCorp Variant Classification Summary - May 2015. Collection method: clinical testing. Allele origin: germline.
Comment: Variant summary: FBN1 c.75G>A alters a conserved nucleotide resulting in a synonymous change. 5/5 computational tools predict no significant impact on normal splicing. However, these predictions have yet to be confirmed by functional studies. The variant allele was found at a frequency of 0.00056 in 251464 control chromosomes, predominantly at a frequency of 0.0046 within the South Asian subpopulation in the gnomAD database, including 1 homozygotes. The observed variant frequency within South Asian control individuals in the gnomAD database is approximately 41-folds higher than the estimated maximal expected allele frequency for a pathogenic variant in FBN1 causing Aortopathy phenotype (0.00011), strongly suggesting that the variant is a benign polymorphism found primarily in populations of South Asian origin. To our knowledge, no occurrence of c.75G>A in individuals affected with Aortopathy and no experimental evidence demonstrating its impact on protein function have been reported. Four ClinVar submissions from clinical diagnostic laboratories (evaluation after 2014) cite the variant as likely benign/benign. Based on the evidence outlined above, the variant was classified as benign.

Color Diagnostics, LLC DBA Color Health
Classification: Benign for Familial thoracic aortic aneurysm and aortic dissection. Last evaluated: 2018-10-16. Review status: criteria provided, single submitter. Criteria: ACMG Guidelines, 2015. Collection method: clinical testing. Allele origin: germline.

Eurofins Ntd Llc (ga)
Classification: Benign. Last evaluated: 2015-07-15. Review status: criteria provided, single submitter. Criteria: EGL Classification Definitions 2015. Collection method: clinical testing. Allele origin: germline. Observed: 1 variant allele, 1 heterozygote.